The following is an entry in ClinVar:

NM_000059.4(BRCA2):c.8869C>T (p.Gln2957Ter)

Gene: BRCA2 (BRCA2 DNA repair associated; plus strand). Cytogenetic location: 13q13.1.
Variant type: single nucleotide variant.
Coding change: c.8869C>T on transcript NM_000059.4 (MANE Select); coding-DNA position 8869, C replaced by T.
Protein change: p.Gln2957Ter; replaces glutamine 2957 with a stop codon.
Molecular consequence: nonsense.
Genome position (GRCh38, 1-based): chr13:32,379,431, C>T. VCF-style: chr13-32379431-C-T. GRCh37 (hg19) VCF-style: chr13-32953568-C-T.
Other names: short protein forms Q2957*.
Identifiers: ClinVar variation 38190 (VCV000038190.24), dbSNP rs276174913, ClinGen allele CA025856.
Genomic context (GRCh38, chr13:32,379,431, plus strand): 5'-AATGATAAGAAACAAGCTCAGATCCAGTTGGAAATTAGGAAGGCCATGGAATCTGCTGAA[C>T]AAAAGGAACAAGGTTTATCAAGGGATGTCACAACCGTGTGGAAGTTGCGTATTGTAAGCT-3'

ClinVar aggregate classification (germline): Pathogenic. Review status: reviewed by expert panel (3 of 4 stars). 11 submissions from 11 submitters: Pathogenic (1). 10 of the submissions do not count toward it. Last evaluated 2016-09-08.

Conditions:
Breast and/or ovarian cancer. Identifiers: MedGen CN221562.
Hereditary cancer-predisposing syndrome. Also called: Tumor predisposition; Neoplastic Syndromes, Hereditary; Hereditary neoplastic syndrome; Hereditary Cancer Syndrome. Identifiers: Orphanet 140162, MedGen C0027672, MeSH D009386, MONDO:0015356.
Familial cancer of breast. Also called: Hereditary breast cancer; BREAST CANCER, FAMILIAL; hereditary breast carcinoma. Identifiers: Orphanet 227535, MedGen C0346153, MONDO:0016419, OMIM 114480. Disease mechanism: loss of function.
Breast-ovarian cancer, familial, susceptibility to, 2 (BROVCA2). Also called: BRCA2 Hereditary Breast and Ovarian Cancer. Identifiers: Orphanet 145, MedGen C2675520, MONDO:0012933, OMIM 612555. Disease mechanism: loss of function.
Hereditary breast ovarian cancer syndrome. Also called: Hereditary breast and ovarian cancer; Hereditary breast and ovarian cancer syndrome (HBOC); Hereditary breast and/or ovarian cancer syndrome; Breast and ovarian cancer; Hereditary breast and ovarian cancer syndrome; BRCA1- and BRCA2-Associated Hereditary Breast and Ovarian Cancer. Identifiers: Orphanet 145, MedGen C0677776, MeSH D061325, MONDO:0003582. Disease mechanism: loss of function.

Allele frequency attached by ClinVar (database versions not stated): gnomAD exomes below 0.00001.
gnomAD v4.1: 1 of 1,613,626 alleles (0.000062%); highest among the groups gnomAD compares: South Asian, 0.0011%; no homozygotes.

Submissions (11):

Evidence-based Network for the Interpretation of Germline Mutant Alleles (ENIGMA)
Classification: Pathogenic for Breast-ovarian cancer, familial, susceptibility to, 2. Last evaluated: 2016-09-08. Review status: reviewed by expert panel. Criteria: ENIGMA BRCA1/2 Classification Criteria (2015). Collection method: curation. Allele origin: germline.
Comment: Variant allele predicted to encode a truncated non-functional protein.

Labcorp Genetics (formerly Invitae), Labcorp
Classification: Pathogenic for Hereditary breast ovarian cancer syndrome. Last evaluated: 2025-10-07. Review status: criteria provided, single submitter. Criteria: Invitae Variant Classification Sherloc (09022015). Collection method: clinical testing. Allele origin: germline. Not counted in ClinVar's aggregate classification.
Comment: This sequence change creates a premature translational stop signal (p.Gln2957*) in the BRCA2 gene. It is expected to result in an absent or disrupted protein product. Loss-of-function variants in BRCA2 are known to be pathogenic (PMID: 20104584). The frequency data for this variant in the population databases is considered unreliable, as metrics indicate poor data quality at this position in the gnomAD database. This premature translational stop signal has been observed in individual(s) with breast cancer and bladder cancer (PMID: 18627636, 20807450, 25186627, 26556299). This variant is also known as 9097C>T. ClinVar contains an entry for this variant (Variation ID: 38190). Algorithms developed to predict the effect of sequence changes on RNA splicing suggest that this variant may disrupt the consensus splice site. For these reasons, this variant has been classified as Pathogenic.

Ambry Genetics
Classification: Pathogenic for Hereditary cancer-predisposing syndrome. Last evaluated: 2023-03-20. Review status: criteria provided, single submitter. Criteria: Ambry Variant Classification Scheme 2023. Collection method: clinical testing. Allele origin: germline. Not counted in ClinVar's aggregate classification.
Comment: The p.Q2957* pathogenic mutation (also known as c.8869C>T), located in coding exon 21 of the BRCA2 gene, results from a C to T substitution at nucleotide position 8869. This changes the amino acid from a glutamine to a stop codon within coding exon 21. This changes the amino acid from a glutamine to a stop codon within coding exon 21. This mutation has been identified in multiple individuals considered to be at high risk for hereditary breast and ovarian cancer (HBOC) syndrome based on personal and/or family history (Thirthagiri E et al. Breast Cancer Res. 2008 Jul;10:R59; Bayraktar S et al. Cancer. 2012 Mar;118:1515-22). Of note, this alteration is also designated as Q2957X and 9097C>T in published literature. In addition to the clinical data presented in the literature, this alteration is expected to result in loss of function by premature protein truncation or nonsense-mediated mRNA decay. As such, this alteration is interpreted as a disease-causing mutation.

Department of Pathology and Laboratory Medicine, Sinai Health System
Classification: Pathogenic for Familial cancer of breast; Breast-ovarian cancer, familial, susceptibility to, 2. Last evaluated: 2020-07-07. Review status: criteria provided, single submitter. Criteria: ACMG Guidelines, 2015. Collection method: clinical testing. Allele origin: germline. Affected: yes. Not counted in ClinVar's aggregate classification.

Women's Health and Genetics/Laboratory Corporation of America, LabCorp
Classification: Pathogenic for Hereditary breast and ovarian cancer syndrome. Last evaluated: 2020-01-27. Review status: criteria provided, single submitter. Criteria: LabCorp Variant Classification Summary - May 2015. Collection method: clinical testing. Allele origin: germline. Not counted in ClinVar's aggregate classification.
Comment: Variant summary: BRCA2 c.8869C>T (p.Gln2957X) results in a premature termination codon, predicted to cause a truncation of the encoded protein or absence of the protein due to nonsense mediated decay, which are commonly known mechanisms for disease. Truncations downstream of this position have been classified as pathogenic by our laboratory. The variant allele was found at a frequency of 4e-06 in 250602 control chromosomes (gnomAD). c.8869C>T has been reported in the literature in individuals affected with Hereditary Breast and Ovarian Cancer (e.g. Rebbeck_2018, Thirthagiri_2008). These data indicate that the variant is likely to be associated with disease. To our knowledge, no experimental evidence demonstrating an impact on protein function has been reported. Four ClinVar submitters including an expert panel (ENIGMA) (evaluation after 2014) cite the variant as pathogenic. Based on the evidence outlined above, the variant was classified as pathogenic.

CHEO Genetics Diagnostic Laboratory, Children's Hospital of Eastern Ontario
Classification: Pathogenic for Breast and/or ovarian cancer. Last evaluated: 2019-09-12. Review status: criteria provided, single submitter. Criteria: ACMG Guidelines, 2015. Collection method: clinical testing. Allele origin: germline. Not counted in ClinVar's aggregate classification.

Consortium of Investigators of Modifiers of BRCA1/2 (CIMBA), c/o University of Cambridge
Classification: Pathogenic for Breast-ovarian cancer, familial, susceptibility to, 2. Last evaluated: 2015-10-02. Review status: criteria provided, single submitter. Criteria: CIMBA Mutation Classification guidelines May 2016. Collection method: clinical testing. Allele origin: germline. Not counted in ClinVar's aggregate classification.

Quest Diagnostics Nichols Institute San Juan Capistrano
Classification: Pathogenic for Breast-ovarian cancer, familial, susceptibility to, 2. Last evaluated: 2015-02-23. Review status: criteria provided, single submitter. Criteria: Quest Diagnostics criteria. Collection method: clinical testing. Allele origin: germline. Inheritance: Autosomal dominant inheritance. Not counted in ClinVar's aggregate classification.

Counsyl
Classification: Pathogenic for Breast-ovarian cancer, familial, susceptibility to, 2. Last evaluated: 2017-11-27. Review status: no assertion criteria provided. Collection method: clinical testing. Allele origin: unknown. Not counted in ClinVar's aggregate classification.

Breast Cancer Information Core (BIC) (BRCA2)
Classification: Pathogenic for Breast-ovarian cancer, familial 2. Last evaluated: 2010-09-18. Review status: no assertion criteria provided. Collection method: clinical testing. Allele origin: germline. Affected: yes. Observed: 1 variant allele. Not counted in ClinVar's aggregate classification.

Sharing Clinical Reports Project (SCRP)
Classification: Pathogenic for Breast-ovarian cancer, familial 2. Last evaluated: 2006-07-03. Review status: no assertion criteria provided. Collection method: clinical testing. Allele origin: germline. Not counted in ClinVar's aggregate classification.

Literature cited by the submitters: PubMed 20104584 (cited by Labcorp Genetics (formerly Invitae), Labcorp); PubMed 18627636 (cited by 6 submitters); PubMed 20807450 (cited by 3 submitters); PubMed 25186627 (cited by 3 submitters); PubMed 26556299 (cited by Labcorp Genetics (formerly Invitae), Labcorp); PubMed 22009639 (cited by Ambry Genetics and Quest Diagnostics Nichols Institute San Juan Capistrano); PubMed 29446198 (cited by Department of Pathology and Laboratory Medicine, Sinai Health System and Women's Health and Genetics/Laboratory Corporation of America, LabCorp); PubMed 26295337 (cited by Quest Diagnostics Nichols Institute San Juan Capistrano).